The following is an entry in ClinVar:

NM_014159.7(SETD2):c.1049A>T (p.Asp350Val)

Gene: SETD2 (SET domain containing 2, histone lysine methyltransferase; minus strand). Cytogenetic location: 3p21.31.
Variant type: single nucleotide variant.
Coding change: c.1049A>T on transcript NM_014159.7 (MANE Select); coding-DNA position 1049, A replaced by T.
Protein change: p.Asp350Val; replaces aspartic acid 350 with valine.
Molecular consequence: missense variant. On other transcripts: non-coding transcript variant (1).
Genome position (GRCh38, 1-based): chr3:47,123,587, T>A on the plus strand (A>T on the coding strand, the complement: SETD2 is on the minus strand). VCF-style: chr3-47123587-T-A. GRCh37 (hg19) VCF-style: chr3-47165077-T-A.
Other names: c.917A>T, p.Asp306Val (NM_001349370.3); short protein forms D350V, D306V.
Identifiers: ClinVar variation 661477 (VCV000661477.5), dbSNP rs1320463023, ClinGen allele CA352532397.

ClinVar aggregate classification (germline): Uncertain significance (1 of 4 stars; one submission).

Conditions:
Luscan-Lumish syndrome. Identifiers: Orphanet 597738, MedGen C4085873, MONDO:0014791, OMIM 616831.

Allele frequency attached by ClinVar (database versions not stated): TOPMed 0.00001.

Submission:

Labcorp Genetics (formerly Invitae), Labcorp
Classification: Uncertain significance for Luscan-Lumish syndrome. Last evaluated: 2018-10-17. Review status: criteria provided, single submitter. Criteria: Invitae Variant Classification Sherloc (09022015). Collection method: clinical testing. Allele origin: germline.
Comment: In summary, the available evidence is currently insufficient to determine the role of this variant in disease. Therefore, it has been classified as a Variant of Uncertain Significance. Algorithms developed to predict the effect of missense changes on protein structure and function are either unavailable or do not agree on the potential impact of this missense change (SIFT: "Deleterious"; PolyPhen-2: "Probably Damaging"; Align-GVGD: "Class C0"). This variant has not been reported in the literature in individuals with SETD2-related disease. This variant is not present in population databases (ExAC no frequency). This sequence change replaces aspartic acid with valine at codon 350 of the SETD2 protein (p.Asp350Val). The aspartic acid residue is moderately conserved and there is a large physicochemical difference between aspartic acid and valine.